The following is an entry in ClinVar:

NM_016464.5(TMEM138):c.74A>G (p.Asn25Ser)

Gene: TMEM138 (transmembrane protein 138; plus strand). Cytogenetic location: 11q12.2.
Variant type: single nucleotide variant.
Coding change: c.74A>G on transcript NM_016464.5 (MANE Select); coding-DNA position 74, A replaced by G.
Protein change: p.Asn25Ser; replaces asparagine 25 with serine.
Molecular consequence: missense variant. On other transcripts: non-coding transcript variant (1), intron variant (1).
Genome position (GRCh38, 1-based): chr11:61,364,464, A>G. VCF-style: chr11-61364464-A-G. GRCh37 (hg19) VCF-style: chr11-61131936-A-G.
Other names: c.-47+149A>G (NM_001330281.2); short protein forms N25S.
Identifiers: ClinVar variation 437008 (VCV000437008.17), dbSNP rs775913576, ClinGen allele CA6034512.
Genomic context (GRCh38, chr11:61,364,464, plus strand): 5'-GTAACTACAGCCTGGTGCTCTCTCTGCAGTTCCTGCTGCTGTCCTATGACCTCTTTGTCA[A>G]TTCCTTCTCAGAACTGCTCCAAAAGACTCCTGTCATCCAGCTTGTGCTCTTCATGTGCGT-3'
Protein context (NP_057548.1, residues 15-35): FLLLSYDLFV[Asn25Ser]SFSELLQKTP

ClinVar aggregate classification (germline): Conflicting classifications of pathogenicity. Review status: criteria provided, conflicting classifications (1 of 4 stars). 5 submissions from 5 submitters: Likely pathogenic (1); Uncertain significance (4). Last evaluated 2025-10-01.

Conditions:
Joubert syndrome 16 (JBTS16). Identifiers: Orphanet 2318, MedGen C3280906, MONDO:0013764, OMIM 614465.

Allele frequency attached by ClinVar (database versions not stated): gnomAD exomes below 0.00001 and 0.00001; ExAC 0.00002.
gnomAD v4.1: 4 of 1,614,226 alleles (0.00025%); highest among the groups gnomAD compares: East Asian, 0.0022%; no homozygotes.

Submissions (5):

Next Generation Genetic Polyclinic
Classification: Likely pathogenic for Joubert syndrome 16. Last evaluated: 2025-10-01. Review status: criteria provided, single submitter. Criteria: ACMG Guidelines, 2015. Collection method: clinical testing. Allele origin: germline. Inheritance: Autosomal recessive inheritance. Affected: yes. Observed: 1 homozygote.
Comment: The TMEM138:c.74A>G (p.Asn25Ser) variant is a rare missense change located in exon 2 of TMEM138. This variant is absent from large population databases, including gnomAD (PM2). In silico prediction tools (SIFT, PolyPhen-2, CADD) consistently support a deleterious effect on protein function (PP3). Segregation analysis using Sanger sequencing demonstrated that the variant segregates with disease in the family: affected individuals are homozygous for the variant, while unaffected relatives are heterozygous carriers or wild-type (PP1_strong). The phenotype observed in the proband—syndromic features involving brain and kidney malformations—is highly consistent with previously reported TMEM138-related disease presentations (PP4). Based on ACMG/AMP guidelines, the cumulative evidence (PM2 + PP1_strong + PP3 + PP4) supports classification of this variant as Likely Pathogenic.

Fulgent Genetics
Classification: Uncertain significance for Joubert syndrome 16. Last evaluated: 2024-05-27. Review status: criteria provided, single submitter. Criteria: ACMG Guidelines, 2015. Collection method: clinical testing. Allele origin: germline.

GeneDx
Classification: Uncertain significance. Last evaluated: 2021-09-03. Review status: criteria provided, single submitter. Criteria: GeneDx Variant Classification Process June 2021. Collection method: clinical testing. Allele origin: germline. Affected: yes.
Comment: Not observed at significant frequency in large population cohorts (Lek et al., 2016); In silico analysis supports that this missense variant has a deleterious effect on protein structure/function; Has not been previously published as pathogenic or benign to our knowledge; This variant is associated with the following publications: (PMID: 22282472)

Labcorp Genetics (formerly Invitae), Labcorp
Classification: Uncertain significance for Joubert syndrome 16. Last evaluated: 2018-12-24. Review status: criteria provided, single submitter. Criteria: Invitae Variant Classification Sherloc (09022015). Collection method: clinical testing. Allele origin: germline.
Comment: This sequence change replaces asparagine with serine at codon 25 of the TMEM138 protein (p.Asn25Ser). The asparagine residue is highly conserved and there is a small physicochemical difference between asparagine and serine. Algorithms developed to predict the effect of sequence changes on RNA splicing suggest that this variant may create or strengthen a splice site, but this prediction has not been confirmed by published transcriptional studies. This variant is present in population databases (rs775913576, ExAC 0.01%). This variant has not been reported in the literature in individuals with TMEM138-related conditions. ClinVar contains an entry for this variant (Variation ID: 437008). Algorithms developed to predict the effect of missense changes on protein structure and function are either unavailable or do not agree on the potential impact of this missense change (SIFT: "Deleterious"; PolyPhen-2: "Benign"; Align-GVGD: "Class C0"). In summary, the available evidence is currently insufficient to determine the role of this variant in disease. Therefore, it has been classified as a Variant of Uncertain Significance.

Genetic Services Laboratory, University of Chicago
Classification: Uncertain significance. Last evaluated: 2015-09-28. Review status: criteria provided, single submitter. Criteria: ACMG Guidelines, 2015. Collection method: clinical testing. Allele origin: germline. Affected: no.